The following is an entry in ClinVar:

ClinVar aggregate classification (germline): Uncertain significance (1 of 4 stars; one submission).

Conditions:
Inborn genetic diseases. Identifiers: MedGen C0950123, MeSH D030342.

Submission:

Ambry Genetics
Classification: Uncertain significance for Inborn genetic diseases. Last evaluated: 2023-08-29. Review status: criteria provided, single submitter. Criteria: Ambry Variant Classification Scheme 2023. Collection method: clinical testing. Allele origin: germline.
Comment: The p.K78E variant (also known as c.232A>G), located in coding exon 2 of the MDH2 gene, results from an A to G substitution at nucleotide position 232. The lysine at codon 78 is replaced by glutamic acid, an amino acid with similar properties. This amino acid position is conserved. In addition, the in silico prediction for this alteration is inconclusive. Since supporting evidence is limited at this time, the clinical significance of this alteration remains unclear.

NM_005918.4(MDH2):c.232A>G (p.Lys78Glu)

Gene: MDH2 (malate dehydrogenase 2; plus strand). Cytogenetic location: 7q11.23.
Variant type: single nucleotide variant.
Coding change: c.232A>G on transcript NM_005918.4 (MANE Select); coding-DNA position 232, A replaced by G.
Protein change: p.Lys78Glu; replaces lysine 78 with glutamic acid.
Molecular consequence: missense variant. On other transcripts: intron variant (1).
Genome position (GRCh38, 1-based): chr7:76,054,995, A>G. VCF-style: chr7-76054995-A-G. GRCh37 (hg19) VCF-style: chr7-75684313-A-G.
Other names: c.232A>G, p.Lys78Glu (NM_001282403.2); c.-86-2415A>G (NM_001282404.2); short protein forms K78E.
Identifiers: ClinVar variation 2620186 (VCV002620186.2), dbSNP rs2535853030, ClinGen allele CA367762732.